The following is an entry in ClinVar:

ClinVar aggregate classification (germline): Uncertain significance. Review status: criteria provided, multiple submitters, no conflicts (2 of 4 stars). 4 submissions from 4 submitters: Uncertain significance (4). Last evaluated 2024-10-13.

Conditions:
Nephronophthisis. Also called: Juvenile Nephronophthisis. Identifiers: Orphanet 655, MedGen C0687120, MONDO:0019005, HP:0000090.
Inborn genetic diseases. Identifiers: MedGen C0950123, MeSH D030342.
Senior-Loken syndrome 4 (SLSN4). Identifiers: Orphanet 3156, MedGen C1846979, MONDO:0011756, OMIM 606996.
Nephronophthisis 4 (NPHP4). Also called: NEPHRONOPHTHISIS 4, JUVENILE. Identifiers: Orphanet 655, MedGen C1847013, MONDO:0011752, OMIM 606966.

Allele frequency attached by ClinVar (database versions not stated): TOPMed below 0.00001; gnomAD exomes 0.00001; gnomAD 0.00002; ExAC 0.00003.

Submissions (4):

Labcorp Genetics (formerly Invitae), Labcorp
Classification: Uncertain significance for Nephronophthisis. Last evaluated: 2024-10-13. Review status: criteria provided, single submitter. Criteria: Invitae Variant Classification Sherloc (09022015). Collection method: clinical testing. Allele origin: germline.
Comment: This sequence change replaces phenylalanine, which is neutral and non-polar, with leucine, which is neutral and non-polar, at codon 1210 of the NPHP4 protein (p.Phe1210Leu). This variant is present in population databases (rs758458943, gnomAD 0.006%). This variant has not been reported in the literature in individuals affected with NPHP4-related conditions. ClinVar contains an entry for this variant (Variation ID: 1471897). Invitae Evidence Modeling of protein sequence and biophysical properties (such as structural, functional, and spatial information, amino acid conservation, physicochemical variation, residue mobility, and thermodynamic stability) has been performed for this missense variant. However, the output from this modeling did not meet the statistical confidence thresholds required to predict the impact of this variant on NPHP4 protein function. In summary, the available evidence is currently insufficient to determine the role of this variant in disease. Therefore, it has been classified as a Variant of Uncertain Significance.

Fulgent Genetics
Classification: Uncertain significance for Nephronophthisis 4; Senior-Loken syndrome 4. Last evaluated: 2024-03-27. Review status: criteria provided, single submitter. Criteria: ACMG Guidelines, 2015. Collection method: clinical testing. Allele origin: germline.

Ambry Genetics
Classification: Uncertain significance for Inborn genetic diseases. Last evaluated: 2023-06-29. Review status: criteria provided, single submitter. Criteria: Ambry Variant Classification Scheme 2023. Collection method: clinical testing. Allele origin: germline.

Blueprint Genetics
Classification: Uncertain significance. Last evaluated: 2022-10-20. Review status: criteria provided, single submitter. Criteria: ACMG Guidelines, 2015. Collection method: clinical testing. Allele origin: germline.

NM_015102.5(NPHP4):c.3630T>G (p.Phe1210Leu)

Gene: NPHP4 (nephrocystin 4; minus strand). Cytogenetic location: 1p36.31.
Variant type: single nucleotide variant.
Coding change: c.3630T>G on transcript NM_015102.5 (MANE Select); coding-DNA position 3630, T replaced by G.
Protein change: p.Phe1210Leu; replaces phenylalanine 1210 with leucine.
Molecular consequence: missense variant. On other transcripts: non-coding transcript variant (1).
Genome position (GRCh38, 1-based): chr1:5,866,387, A>C on the plus strand (T>G on the coding strand, the complement: NPHP4 is on the minus strand). VCF-style: chr1-5866387-A-C. GRCh37 (hg19) VCF-style: chr1-5926447-A-C.
Other names: c.2091T>G, p.Phe697Leu (NM_001291593.2); c.2094T>G, p.Phe698Leu (NM_001291594.2); c.3630T>G (NM_015102.3); short protein forms F697L, F698L, F1210L.
Identifiers: ClinVar variation 1471897 (VCV001471897.10), dbSNP rs758458943, ClinGen allele CA553531.